The following is an entry in ClinVar:

ClinVar aggregate classification (germline): Uncertain significance (1 of 4 stars; one submission).

gnomAD v4.1: 1 of 1,614,078 alleles (0.000062%); highest among the groups gnomAD compares: Non-Finnish European, 0.000085%; no homozygotes.

Submission:

CeGaT Center for Human Genetics Tuebingen
Classification: Uncertain significance. Last evaluated: 2024-02-01. Review status: criteria provided, single submitter. Criteria: CeGaT Center For Human Genetics Tuebingen Variant Classification Criteria Version 2. Collection method: clinical testing. Allele origin: germline. Affected: yes. Observed: 1 variant allele.
Comment: LRP2: PM2, BP4

NM_004525.3(LRP2):c.13894A>C (p.Thr4632Pro)

Gene: LRP2 (LDL receptor related protein 2; minus strand). Cytogenetic location: 2q31.1.
Variant type: single nucleotide variant.
Coding change: c.13894A>C on transcript NM_004525.3 (MANE Select); coding-DNA position 13894, A replaced by C.
Protein change: p.Thr4632Pro; replaces threonine 4632 with proline.
Molecular consequence: missense variant.
Genome position (GRCh38, 1-based): chr2:169,128,737, T>G on the plus strand (A>C on the coding strand, the complement: LRP2 is on the minus strand). VCF-style: chr2-169128737-T-G. GRCh37 (hg19) VCF-style: chr2-169985247-T-G.
Other names: short protein forms T4632P.
Identifiers: ClinVar variation 3027036 (VCV003027036.22), dbSNP rs1261677981, ClinGen allele CA349148118.